The following is an entry in ClinVar:

NM_004722.4(AP4M1):c.10C>T (p.Gln4Ter)

Gene: AP4M1 (adaptor related protein complex 4 subunit mu 1; plus strand). Cytogenetic location: 7q22.1.
Variant type: single nucleotide variant.
Coding change: c.10C>T on transcript NM_004722.4 (MANE Select); coding-DNA position 10, C replaced by T.
Protein change: p.Gln4Ter; replaces glutamine 4 with a stop codon.
Molecular consequence: nonsense.
Genome position (GRCh38, 1-based): chr7:100,101,724, C>T. VCF-style: chr7-100101724-C-T. GRCh37 (hg19) VCF-style: chr7-99699347-C-T.
Other names: p.Gln4*; c.10C>T, p.Gln4Ter (NM_001363671.2); short protein forms Q4*.
Identifiers: ClinVar variation 981454 (VCV000981454.16), dbSNP rs777220438, ClinGen allele CA4374370.

ClinVar aggregate classification (germline): Pathogenic/Likely pathogenic. Review status: criteria provided, multiple submitters, no conflicts (2 of 4 stars). 7 submissions from 7 submitters: Pathogenic (4); Likely pathogenic (2). 1 of the submissions does not count toward it. Last evaluated 2025-06-02.

Conditions:
Hereditary spastic paraplegia 50 (SPG50). Also called: Spastic paraplegia 50, autosomal recessive. Identifiers: Orphanet 280763, MedGen C2752008, MONDO:0013048, OMIM 612936.
AP4M1-related disorder. Also called: AP4M1-related condition.
Intellectual disability. Also called: intellectual disabilities; Intellectual developmental disorder; Intellectual functioning disability. Identifiers: MedGen C3714756, MeSH D008607, MONDO:0001071, HP:0001249.

Allele frequency attached by ClinVar (database versions not stated): gnomAD exomes below 0.00001 and 0.00001; ExAC 0.00001; gnomAD 0.00001; TOPMed 0.00002.

Submissions (7):

Victorian Clinical Genetics Services, Murdoch Childrens Research Institute
Classification: Pathogenic for Hereditary spastic paraplegia 50. Last evaluated: 2025-06-02. Review status: criteria provided, single submitter. Criteria: ACMG Guidelines, 2015. Collection method: clinical testing. Allele origin: germline. Affected: no.
Comment: This variant is classified as Pathogenic. Evidence in support of pathogenic classification: Variant is predicted to result in a truncated protein (premature termination codon is located within the first 102 nucleotides of the coding sequence and is predicted to escape nonsense-mediated decay); Variant is present in gnomAD <0.01 for a recessive condition (v4: 3 heterozygote(s), 0 homozygote(s)); This variant has strong previous evidence of pathogenicity in unrelated individuals. It has been reported in compound heterozygous children affected with hereditary spastic paraplegia or AP4M1-related syndrome (PMIDs: 33813722, 35795805). In addition, it has been classified as pathogenic and likely pathogenic by clinical laboratories (ClinVar). Additional information: This variant is heterozygous; This gene is associated with autosomal recessive disease; Variant has not previously been reported in a clinical context; No published functional evidence has been identified for this variant; No comparable 5' protein truncating variants have previous evidence for pathogenicity; Loss of function is a known mechanism of disease in this gene and is associated with autosomal recessive spastic paraplegia 50 (MIM#612936).

Labcorp Genetics (formerly Invitae), Labcorp
Classification: Pathogenic for Hereditary spastic paraplegia 50. Last evaluated: 2022-03-04. Review status: criteria provided, single submitter. Criteria: Invitae Variant Classification Sherloc (09022015). Collection method: clinical testing. Allele origin: germline.
Comment: This sequence change creates a premature translational stop signal (p.Gln4*) in the AP4M1 gene. It is expected to result in an absent or disrupted protein product. Loss-of-function variants in AP4M1 are known to be pathogenic (PMID: 24700674, 25496299, 25558065). This variant is present in population databases (rs777220438, gnomAD 0.002%). This premature translational stop signal has been observed in individual(s) with hereditary spastic paraplegia (PMID: 33813722). ClinVar contains an entry for this variant (Variation ID: 981454). For these reasons, this variant has been classified as Pathogenic.

Mayo Clinic Laboratories, Mayo Clinic
Classification: Likely pathogenic. Last evaluated: 2021-04-19. Review status: criteria provided, single submitter. Criteria: ACMG Guidelines, 2015. Collection method: clinical testing. Allele origin: germline.
Comment: PVS1, PM2

Diagnostic Laboratory, Strasbourg University Hospital
Classification: Pathogenic for Intellectual disability. Last evaluated: 2020-09-10. Review status: criteria provided, single submitter. Criteria: ACMG Guidelines, 2015. Collection method: clinical testing. Allele origin: unknown. Affected: yes. Observed: 1 compound heterozygote.

Blueprint Genetics
Classification: Likely pathogenic for AP4M1-related disorders. Last evaluated: 2020-05-22. Review status: criteria provided, single submitter. Criteria: ACMG Guidelines, 2015. Collection method: clinical testing. Allele origin: germline. Affected: yes. Observed: 2 variant alleles.

Department of Pediatric Genetics, Istanbul University - Cerrahpasa
Classification: Pathogenic for Spastic paraplegia 50, autosomal recessive. Review status: criteria provided, single submitter. Criteria: ACMG Guidelines, 2015. Collection method: clinical testing. Allele origin: germline. Affected: yes.

Zotz-Klimas Genetics Lab, MVZ Zotz Klimas
Classification: Pathogenic for Hereditary spastic paraplegia 50. Last evaluated: 2023-10-30. Review status: no assertion criteria provided. Collection method: clinical testing. Allele origin: germline. Affected: yes. Not counted in ClinVar's aggregate classification.

Literature cited by the submitters: PubMed 33813722 (cited by Victorian Clinical Genetics Services, Murdoch Childrens Research Institute and Labcorp Genetics (formerly Invitae), Labcorp); PubMed 35795805 (cited by Victorian Clinical Genetics Services, Murdoch Childrens Research Institute); PubMed 24700674 (cited by Labcorp Genetics (formerly Invitae), Labcorp); PubMed 25496299 (cited by Labcorp Genetics (formerly Invitae), Labcorp); PubMed 25558065 (cited by Labcorp Genetics (formerly Invitae), Labcorp).